The following is an entry in ClinVar:

NM_002098.6(GUCA1B):c.347A>G (p.Asn116Ser)

Gene: GUCA1B (guanylate cyclase activator 1B; minus strand). Cytogenetic location: 6p21.1.
Variant type: single nucleotide variant.
Coding change: c.347A>G on transcript NM_002098.6 (MANE Select); coding-DNA position 347, A replaced by G.
Protein change: p.Asn116Ser; replaces asparagine 116 with serine.
Molecular consequence: missense variant.
Genome position (GRCh38, 1-based): chr6:42,188,592, T>C on the plus strand (A>G on the coding strand, the complement: GUCA1B is on the minus strand). VCF-style: chr6-42188592-T-C. GRCh37 (hg19) VCF-style: chr6-42156330-T-C.
Other names: short protein forms N116S.
Identifiers: ClinVar variation 1917699 (VCV001917699.5), dbSNP rs752457466, ClinGen allele CA3805592.

ClinVar aggregate classification (germline): Uncertain significance (1 of 4 stars; one submission).

Allele frequency attached by ClinVar (database versions not stated): ExAC 0.00002; gnomAD 0.00002; TOPMed 0.00003.

Submission:

Labcorp Genetics (formerly Invitae), Labcorp
Classification: Uncertain significance. Last evaluated: 2025-03-17. Review status: criteria provided, single submitter. Criteria: Invitae Variant Classification Sherloc (09022015). Collection method: clinical testing. Allele origin: germline.
Comment: This sequence change replaces asparagine, which is neutral and polar, with serine, which is neutral and polar, at codon 116 of the GUCA1B protein (p.Asn116Ser). This variant is present in population databases (rs752457466, gnomAD 0.006%). This variant has not been reported in the literature in individuals affected with GUCA1B-related conditions. ClinVar contains an entry for this variant (Variation ID: 1917699). An algorithm developed to predict the effect of missense changes on protein structure and function (PolyPhen-2) suggests that this variant is likely to be tolerated. In summary, the available evidence is currently insufficient to determine the role of this variant in disease. Therefore, it has been classified as a Variant of Uncertain Significance.